The following is an entry in ClinVar:

NM_001048174.2(MUTYH):c.886T>A (p.Ser296Thr)

Gene: MUTYH (mutY DNA glycosylase; minus strand). Cytogenetic location: 1p34.1.
Variant type: single nucleotide variant.
Coding change: c.886T>A on transcript NM_001048174.2 (MANE Select); coding-DNA position 886, T replaced by A.
Protein change: p.Ser296Thr; replaces serine 296 with threonine.
Molecular consequence: missense variant. On other transcripts: non-coding transcript variant (7).
Genome position (GRCh38, 1-based): chr1:45,332,050, A>T on the plus strand (T>A on the coding strand, the complement: MUTYH is on the minus strand). VCF-style: chr1-45332050-A-T. GRCh37 (hg19) VCF-style: chr1-45797722-A-T.
Other names: c.886T>A, p.Ser296Thr (NM_001407081.1, NM_001407088.1, NM_001407089.1 and 6 more transcripts); c.541T>A, p.Ser181Thr (NM_001407082.1, NM_001350650.2, NM_001350651.2); c.928T>A, p.Ser310Thr (NM_001407083.1, NM_001407085.1); c.889T>A, p.Ser297Thr (NM_001407086.1, NM_001048172.2, NM_001407071.1 and 1 more transcripts); c.907T>A, p.Ser303Thr (NM_001407087.1); c.610T>A, p.Ser204Thr (NM_001407091.1, NM_001293192.2, NM_001293196.2); c.970T>A, p.Ser324Thr (NM_001128425.2); c.931T>A, p.Ser311Thr (NM_001293190.2); and 5 more; short protein forms S268T, S282T, S283T, S310T, S311T, S321T, S204T, S303T.
Identifiers: ClinVar variation 4112821 (VCV004112821.1).

ClinVar aggregate classification (germline): Uncertain significance (1 of 4 stars; one submission).

Conditions:
Hereditary cancer-predisposing syndrome. Also called: Tumor predisposition; Neoplastic Syndromes, Hereditary; Hereditary neoplastic syndrome; Hereditary Cancer Syndrome. Identifiers: Orphanet 140162, MedGen C0027672, MeSH D009386, MONDO:0015356.

Submission:

Ambry Genetics
Classification: Uncertain significance for Hereditary cancer-predisposing syndrome. Last evaluated: 2025-08-27. Review status: criteria provided, single submitter. Criteria: Ambry Variant Classification Scheme 2023. Collection method: clinical testing. Allele origin: germline.
Comment: The p.S324T variant (also known as c.970T>A), located in coding exon 11 of the MUTYH gene, results from a T to A substitution at nucleotide position 970. The serine at codon 324 is replaced by threonine, an amino acid with similar properties. This amino acid position is conserved. In addition, this alteration is predicted to be tolerated by in silico analysis. Based on the available evidence, the clinical significance of this variant remains unclear.